The following is an entry in ClinVar:

ClinVar aggregate classification (germline): Likely benign. Review status: criteria provided, multiple submitters, no conflicts (2 of 4 stars). 6 submissions from 6 submitters: Likely benign (4). 2 of the submissions do not count toward it. Last evaluated 2026-09-01.

Conditions:
PUS1-related disorder. Also called: PUS1-related condition.
Inborn mitochondrial myopathy. Also called: Mitochondrial Myopathies; Mitochondrial myopathy. Identifiers: Orphanet 206966, MedGen C0162670, MONDO:0009637, HP:0003737.
Sideroblastic anemia. Also called: Sideroblastic anaemia. Identifiers: Orphanet 1047, MedGen C0002896, MONDO:0015194, HP:0001924.

Allele frequency attached by ClinVar (database versions not stated): ESP Exome Variant Server 0.00015; TOPMed 0.00028; gnomAD 0.00057.
gnomAD v4.1: 467 of 1,613,170 alleles (0.029%); highest among the groups gnomAD compares: Non-Finnish European, 0.037%; 1 homozygote.

Submissions (6):

CeGaT Center for Human Genetics Tuebingen
Classification: Likely benign. Last evaluated: 2026-09-01. Review status: criteria provided, single submitter. Criteria: CeGaT Center For Human Genetics Tuebingen Variant Classification Criteria Version 2. Collection method: clinical testing. Allele origin: germline. Affected: yes. Observed: 14 variant alleles.
Comment: PUS1: BP4, BP7

Labcorp Genetics (formerly Invitae), Labcorp
Classification: Likely benign. Last evaluated: 2026-02-01. Review status: criteria provided, single submitter. Criteria: Invitae Variant Classification Sherloc (09022015). Collection method: clinical testing. Allele origin: germline.

Blueprint Genetics
Classification: Likely benign. Last evaluated: 2024-11-13. Review status: criteria provided, single submitter. Criteria: ACMG Guidelines, 2015. Collection method: clinical testing. Allele origin: germline.

GeneDx
Classification: Likely benign. Last evaluated: 2020-11-16. Review status: criteria provided, single submitter. Criteria: GeneDx Variant Classification Process June 2021. Collection method: clinical testing. Allele origin: germline. Affected: yes.

PreventionGenetics, part of Exact Sciences
Classification: Likely benign for PUS1-related condition. Last evaluated: 2024-08-08. Review status: no assertion criteria provided. Collection method: clinical testing. Allele origin: germline. Not counted in ClinVar's aggregate classification.
Comment: This variant is classified as likely benign based on ACMG/AMP sequence variant interpretation guidelines (Richards et al. 2015 PMID: 25741868, with internal and published modifications).

Natera, Inc.
Classification: Likely benign for Mitochondrial myopathy; sideroblastic anemia. Last evaluated: 2020-09-16. Review status: no assertion criteria provided. Collection method: clinical testing. Allele origin: germline. Not counted in ClinVar's aggregate classification.

NM_025215.6(PUS1):c.1047C>T (p.Asn349=)

Gene: PUS1 (pseudouridine synthase 1; plus strand). Cytogenetic location: 12q24.33.
Variant type: single nucleotide variant.
Coding change: c.1047C>T on transcript NM_025215.6 (MANE Select); coding-DNA position 1047, C replaced by T.
Protein change: p.Asn349=; no amino-acid change (asparagine 349 retained).
Molecular consequence: synonymous variant.
Genome position (GRCh38, 1-based): chr12:131,941,794, C>T. VCF-style: chr12-131941794-C-T. GRCh37 (hg19) VCF-style: chr12-132426339-C-T.
Other names: c.963C>T, p.Asn321= (NM_001002019.3, NM_001002020.3).
Identifiers: ClinVar variation 721364 (VCV000721364.38), dbSNP rs145061048, ClinGen allele CA6884303.